The following is an entry in ClinVar:

ClinVar aggregate classification (germline): Uncertain significance (1 of 4 stars; one submission).

Conditions:
Hereditary cancer-predisposing syndrome. Also called: Tumor predisposition; Hereditary Cancer Syndrome; Neoplastic Syndromes, Hereditary; Hereditary neoplastic syndrome. Identifiers: Orphanet 140162, MedGen C0027672, MeSH D009386, MONDO:0015356.

Submission:

Ambry Genetics
Classification: Uncertain significance for Hereditary cancer-predisposing syndrome. Last evaluated: 2021-08-28. Review status: criteria provided, single submitter. Criteria: Ambry Variant Classification Scheme 2023. Collection method: clinical testing. Allele origin: germline.
Comment: The p.A915T variant (also known as c.2743G>A), located in coding exon 21 of the POLD1 gene, results from a G to A substitution at nucleotide position 2743. The alanine at codon 915 is replaced by threonine, an amino acid with similar properties. This amino acid position is conserved. In addition, this alteration is predicted to be tolerated by in silico analysis. Since supporting evidence is limited at this time, the clinical significance of this alteration remains unclear.

NM_002691.4(POLD1):c.2743G>A (p.Ala915Thr)

Gene: POLD1 (DNA polymerase delta 1, catalytic subunit; plus strand). Cytogenetic location: 19q13.33.
Variant type: single nucleotide variant.
Coding change: c.2743G>A on transcript NM_002691.4 (MANE Select); coding-DNA position 2743, G replaced by A.
Protein change: p.Ala915Thr; replaces alanine 915 with threonine.
Molecular consequence: missense variant.
Genome position (GRCh38, 1-based): chr19:50,415,749, G>A. VCF-style: chr19-50415749-G-A. GRCh37 (hg19) VCF-style: chr19-50919006-G-A.
Other names: c.2743G>A, p.Ala915Thr (NM_001256849.1); c.2821G>A, p.Ala941Thr (NM_001308632.1); short protein forms A915T, A941T.
Identifiers: ClinVar variation 1795463 (VCV001795463.2), dbSNP rs2514057675, ClinGen allele CA406985882.
Genomic context (GRCh38, chr19:50,415,749, plus strand): 5'-TGCCCTCACCCACCCGCCACCCCATCTCCACGCAGGATGAGGAAGCGGGACCCCGGGAGT[G>A]CGCCCAGCCTGGGCGACCGCGTCCCCTACGTGATCATCAGTGCCGCCAAGGGTGTGGCCG-3'
Protein context (NP_002682.2, residues 905-925): ERMRKRDPGS[Ala915Thr]PSLGDRVPYV